The following is an entry in ClinVar:

ClinVar aggregate classification (germline): Uncertain significance. Review status: criteria provided, multiple submitters, no conflicts (2 of 4 stars). 2 submissions from 2 submitters: Uncertain significance (2). Last evaluated 2025-12-07.

Conditions:
Inborn genetic diseases. Identifiers: MedGen C0950123, MeSH D030342.

Submissions (2):

Ambry Genetics
Classification: Uncertain significance for Inborn genetic diseases. Last evaluated: 2025-12-07. Review status: criteria provided, single submitter. Criteria: Ambry Variant Classification Scheme 2023. Collection method: clinical testing. Allele origin: germline.
Comment: The p.E1305G variant (also known as c.3914A>G), located in coding exon 1 of the SAMD9L gene, results from an A to G substitution at nucleotide position 3914. The glutamic acid at codon 1305 is replaced by glycine, an amino acid with similar properties. This amino acid position is conserved. In addition, this alteration is predicted to be tolerated by in silico analysis. Based on the available evidence, the clinical significance of this variant remains unclear.

Labcorp Genetics (formerly Invitae), Labcorp
Classification: Uncertain significance. Last evaluated: 2025-10-01. Review status: criteria provided, single submitter. Criteria: Invitae Variant Classification Sherloc (09022015). Collection method: clinical testing. Allele origin: germline.
Comment: This sequence change replaces glutamic acid, which is acidic and polar, with glycine, which is neutral and non-polar, at codon 1305 of the SAMD9L protein (p.Glu1305Gly). This variant is not present in population databases (gnomAD no frequency). This variant has not been reported in the literature in individuals affected with SAMD9L-related conditions. ClinVar contains an entry for this variant (Variation ID: 3650418). Invitae Evidence Modeling of protein sequence and biophysical properties (such as structural, functional, and spatial information, amino acid conservation, physicochemical variation, residue mobility, and thermodynamic stability) indicates that this missense variant is not expected to disrupt SAMD9L protein function with a negative predictive value of 80%. In summary, the available evidence is currently insufficient to determine the role of this variant in disease. Therefore, it has been classified as a Variant of Uncertain Significance.

NM_152703.5(SAMD9L):c.3914A>G (p.Glu1305Gly)

Gene: SAMD9L (sterile alpha motif domain containing 9 like; minus strand). Cytogenetic location: 7q21.2.
Variant type: single nucleotide variant.
Coding change: c.3914A>G on transcript NM_152703.5 (MANE Select); coding-DNA position 3914, A replaced by G.
Protein change: p.Glu1305Gly; replaces glutamic acid 1305 with glycine.
Molecular consequence: missense variant.
Genome position (GRCh38, 1-based): chr7:93,132,058, T>C on the plus strand (A>G on the coding strand, the complement: SAMD9L is on the minus strand). VCF-style: chr7-93132058-T-C. GRCh37 (hg19) VCF-style: chr7-92761371-T-C.
Other names: c.3914A>G, p.Glu1305Gly (NM_001350085.2, NM_001303496.3, NM_001303497.3 and 5 more transcripts); c.3914A>G (NM_152703.2); short protein forms E1305G.
Identifiers: ClinVar variation 3650418 (VCV003650418.3).
Genomic context (GRCh38, chr7:93,132,058, plus strand): 5'-TCCTGGAGTAATTGACTCTCTTTACTTTGTAATAGACATGGATCCAAATGACAGAAAAGT[T>C]CTGTGTATTTCCTGAAACAACGACTGACTTTCTTGCTTAACATGATTTCTGCAATTTCTT-3'
Protein context (NP_689916.2, residues 1295-1315): KVSRCFRKYT[Glu1305Gly]LFCHLDPCLL